The following is an entry in ClinVar:

ClinVar aggregate classification (germline): Uncertain significance. Review status: criteria provided, multiple submitters, no conflicts (2 of 4 stars). 2 submissions from 2 submitters: Uncertain significance (2). Last evaluated 2024-10-22.

Conditions:
Epidermolysis bullosa simplex 5B, with muscular dystrophy (EBS5B). Also called: EPIDERMOLYSIS BULLOSA SIMPLEX AND LIMB-GIRDLE MUSCULAR DYSTROPHY; Epidermolysis bullosa simplex with muscular dystrophy. Identifiers: Orphanet 257, MedGen C2931072, MONDO:0009181, OMIM 226670.
Epidermolysis bullosa simplex, Ogna type (EBS5A). Also called: Pidermolysis bullosa simplex 5A, Ogna type; EPIDERMOLYSIS BULLOSA SIMPLEX 5A, OGNA TYPE. Identifiers: Orphanet 79401, MedGen C0432317, MONDO:0007555, OMIM 131950.
Autosomal recessive limb-girdle muscular dystrophy type 2Q (LGMDR17). Also called: MUSCULAR DYSTROPHY, LIMB-GIRDLE, AUTOSOMAL RECESSIVE 17. Identifiers: Orphanet 254361, MedGen C3150989, MONDO:0013390, OMIM 613723.
Epidermolysis bullosa simplex with nail dystrophy (EBS5D). Identifiers: MedGen C4225309, MONDO:0014661, OMIM 616487.
Epidermolysis bullosa simplex 5C, with pyloric atresia (EBS5C). Also called: PLEC1-Related Epidermolysis Bullosa with Pyloric Atresia; PLEC-Related Epidermolysis Bullosa with Pyloric Atresia; Epidermolysis bullosa simplex with pyloric atresia. Identifiers: Orphanet 158684, MedGen C2677349, MONDO:0012807, OMIM 612138.

Submissions (2):

Labcorp Genetics (formerly Invitae), Labcorp
Classification: Uncertain significance for Autosomal recessive limb-girdle muscular dystrophy type 2Q; Epidermolysis bullosa simplex, Ogna type; Epidermolysis bullosa simplex with nail dystrophy; Epidermolysis bullosa simplex 5C, with pyloric atresia; Epidermolysis bullosa simplex 5B, with muscular dystrophy. Last evaluated: 2024-10-22. Review status: criteria provided, single submitter. Criteria: Invitae Variant Classification Sherloc (09022015). Collection method: clinical testing. Allele origin: germline.
Comment: This variant, c.7159_7161del, results in the deletion of 1 amino acid(s) of the PLEC protein (p.Glu2387del), but otherwise preserves the integrity of the reading frame. This variant is present in population databases (rs782592923, gnomAD 0.02%). This variant has not been reported in the literature in individuals affected with PLEC-related conditions. Experimental studies and prediction algorithms are not available or were not evaluated, and the functional significance of this variant is currently unknown. In summary, the available evidence is currently insufficient to determine the role of this variant in disease. Therefore, it has been classified as a Variant of Uncertain Significance.

GeneDx
Classification: Uncertain significance. Last evaluated: 2019-09-27. Review status: criteria provided, single submitter. Criteria: GeneDx Variant Classification Process June 2021. Collection method: clinical testing. Allele origin: germline. Affected: yes.
Comment: Not observed at a significant frequency in large population cohorts (Lek et al., 2016); In-frame deletion of 1 amino acid in a non-repeat region; In silico analysis, which includes protein predictors and evolutionary conservation, supports a deleterious effect; Has not been previously published as pathogenic or benign to our knowledge

NM_201384.3(PLEC):c.7075GAG[1] (p.Glu2360del)

Gene: PLEC (plectin; minus strand). Cytogenetic location: 8q24.3.
Variant type: Microsatellite.
Coding change: c.7075GAG[1] on transcript NM_201384.3 (MANE Select); one copy of the 3-base unit GAG starting at c.7075; the reference has two copies in a row; one copy, 3 bases deleted.
Protein change: p.Glu2360del; deletes glutamic acid 2360.
Molecular consequence: inframe deletion.
Genome position (GRCh38, 1-based): chr8:143,922,849-143,922,851, CTC deleted on the plus strand (GAG on the coding strand, the reverse complement: PLEC is on the minus strand); deleting any 3 consecutive bases within chr8:143,922,849-143,922,855 gives the same sequence; the position shown is the placement nearest the transcript's 3' end. VCF-style (leftmost placement, unchanged base first): chr8-143922848-TCTC-T. GRCh37 (hg19) VCF-style: chr8-144997016-TCTC-T.
Other names: c.7087GAG[1], p.Glu2364del (NM_201383.3); c.7156GAG[1], p.Glu2387del (NM_000445.5); c.7033GAG[1], p.Glu2346del (NM_201378.4); c.7009GAG[1], p.Glu2338del (NM_201379.3); c.7486GAG[1], p.Glu2497del (NM_201380.4); c.6979GAG[1], p.Glu2328del (NM_201381.3); c.7075GAG[1], p.Glu2360del (NM_201382.4); short protein forms E2328del, E2338del, E2346del, E2360del, E2364del, E2387del, E2497del.
Identifiers: ClinVar variation 1303434 (VCV001303434.5), dbSNP rs782592923, ClinGen allele CA4925766.
Genomic context (GRCh38, chr8:143,922,848, plus strand): 5'-CAGCGCTCATCTCCAGCTGCCGCTGCCGCTCGGCCTCCAGCGTCCGCTGGAAGCCCTGCG[TCTC>T]CTCCGCCAGCTGCTGCGCCATCTGCTCCTTGTCCTCCTGCAGCCGCCGCGCCTGCTCCTG-3'